The following is an entry in ClinVar:

NM_002439.5(MSH3):c.2133A>C (p.Leu711Phe)

Gene: MSH3 (mutS homolog 3; plus strand). Cytogenetic location: 5q14.1.
Variant type: single nucleotide variant.
Coding change: c.2133A>C on transcript NM_002439.5 (MANE Select); coding-DNA position 2133, A replaced by C.
Protein change: p.Leu711Phe; replaces leucine 711 with phenylalanine.
Molecular consequence: missense variant.
Genome position (GRCh38, 1-based): chr5:80,768,883, A>C. VCF-style: chr5-80768883-A-C. GRCh37 (hg19) VCF-style: chr5-80064702-A-C.
Other names: short protein forms L711F.
Identifiers: ClinVar variation 2117787 (VCV002117787.4), dbSNP rs1580034851, ClinGen allele CA360279338.
Genomic context (GRCh38, chr5:80,768,883, plus strand): 5'-TTGATTTTTTAGAGTTGGGGATAAAACTGAATTATTTAAAGACCTTTCTGACTTCCCTTT[A>C]ATAAAAAAGAGGAAGGATGAAATTCAAGGTGTTATTGACGAGATCCGAATGCATTTGCAA-3'
Protein context (NP_002430.3, residues 701-721): ELFKDLSDFP[Leu711Phe]IKKRKDEIQG

ClinVar aggregate classification (germline): Uncertain significance (1 of 4 stars; one submission).

Submission:

Labcorp Genetics (formerly Invitae), Labcorp
Classification: Uncertain significance. Last evaluated: 2023-12-29. Review status: criteria provided, single submitter. Criteria: Invitae Variant Classification Sherloc (09022015). Collection method: clinical testing. Allele origin: germline.
Comment: This sequence change replaces leucine, which is neutral and non-polar, with phenylalanine, which is neutral and non-polar, at codon 711 of the MSH3 protein (p.Leu711Phe). This variant is not present in population databases (gnomAD no frequency). This variant has not been reported in the literature in individuals affected with MSH3-related conditions. ClinVar contains an entry for this variant (Variation ID: 2117787). An algorithm developed to predict the effect of missense changes on protein structure and function (PolyPhen-2) suggests that this variant is likely to be disruptive. In summary, the available evidence is currently insufficient to determine the role of this variant in disease. Therefore, it has been classified as a Variant of Uncertain Significance.